The following is an entry in ClinVar:

ClinVar aggregate classification (germline): Likely benign (1 of 4 stars; one submission).

Allele frequency attached by ClinVar (database versions not stated): gnomAD exomes 0.00014; gnomAD 0.00018; TOPMed 0.00019; ExAC 0.00031; 1000 Genomes Project 0.00060; 1000 Genomes Project 30x 0.00078.
gnomAD v4.1: 234 of 1,612,388 alleles (0.015%); highest among the groups gnomAD compares: East Asian, 0.3%; no homozygotes.

Submission:

Women's Health and Genetics/Laboratory Corporation of America, LabCorp
Classification: Likely benign. Last evaluated: 2023-11-15. Review status: criteria provided, single submitter. Criteria: LabCorp Variant Classification Summary - May 2015. Collection method: clinical testing. Allele origin: germline.
Comment: Variant summary: MADD c.1705+15C>T alters a nucleotide located at a position not widely known to affect splicing. Consensus agreement among computation tools predict no significant impact on normal splicing. However, these predictions have yet to be confirmed by functional studies. The variant allele was found at a frequency of 0.00029 in 250454 control chromosomes (gnomAD). To our knowledge, no occurrence of c.1705+15C>T in individuals affected with MADD-Related Disorders and no experimental evidence demonstrating its impact on protein function have been reported. No submitters have cited clinical-significance assessments for this variant to ClinVar after 2014. Based on the evidence outlined above, the variant was classified as likely benign.

NM_001376571.1(MADD):c.1705+15C>T

Gene: MADD (MAP kinase activating death domain; plus strand). Cytogenetic location: 11p11.2.
Variant type: single nucleotide variant.
Coding change: c.1705+15C>T on transcript NM_001376571.1 (MANE Select); 15 bases into the intron after coding-DNA position 1705, C replaced by T.
Molecular consequence: intron variant.
Genome position (GRCh38, 1-based): chr11:47,282,631, C>T. VCF-style: chr11-47282631-C-T. GRCh37 (hg19) VCF-style: chr11-47304182-C-T.
Other names: c.1705+15C>T (NM_001376651.1, NM_001376576.1, NM_001376614.1 and 80 more transcripts); c.1501+15C>T (NM_001376648.1, NM_001376620.1, NM_001376626.1 and 9 more transcripts); c.1039+15C>T (NM_001376663.1).
Identifiers: ClinVar variation 2682540 (VCV002682540.1), dbSNP rs200413863, ClinGen allele CA5974193.